The following is an entry in ClinVar:

NM_000719.7(CACNA1C):c.3048G>A (p.Lys1016=)

Gene: CACNA1C (calcium voltage-gated channel subunit alpha1 C; plus strand). Cytogenetic location: 12p13.33.
Variant type: single nucleotide variant.
Coding change: c.3048G>A on transcript NM_000719.7 (MANE Select); coding-DNA position 3048, G replaced by A.
Protein change: p.Lys1016=; no amino-acid change (lysine 1016 retained).
Molecular consequence: synonymous variant.
Genome position (GRCh38, 1-based): chr12:2,605,168, G>A. VCF-style: chr12-2605168-G-A. GRCh37 (hg19) VCF-style: chr12-2714334-G-A.
Other names: c.3108G>A, p.Lys1036= (NM_001129827.2, NM_001129832.2, NM_199460.4); c.3048G>A, p.Lys1016= (NM_001129829.2, NM_001129830.3, NM_001129831.2 and 15 more transcripts); c.3039G>A, p.Lys1013= (NM_001129844.2); c.3048G>A (NM_000719.6).
Identifiers: ClinVar variation 1390624 (VCV001390624.9), dbSNP rs777948170, ClinGen allele CA6389128.

ClinVar aggregate classification (germline): Uncertain significance. Review status: criteria provided, multiple submitters, no conflicts (2 of 4 stars). 2 submissions from 2 submitters: Uncertain significance (2). Last evaluated 2025-09-18.

Conditions:
Cardiovascular phenotype. Identifiers: MedGen CN230736.
Long QT syndrome (LQTS). Identifiers: MedGen C0023976, MeSH D008133, MONDO:0002442. Disease mechanism: loss of function. Inheritance: Various modes of inheritance.

Allele frequency attached by ClinVar (database versions not stated): gnomAD exomes below 0.00001; TOPMed below 0.00001; ExAC 0.00001; gnomAD 0.00001.
gnomAD v4.1: 5 of 1,605,528 alleles (0.00031%); highest among the groups gnomAD compares: Middle Eastern, 0.016%; no homozygotes.

Submissions (2):

Ambry Genetics
Classification: Uncertain significance for Cardiovascular phenotype. Last evaluated: 2025-09-18. Review status: criteria provided, single submitter. Criteria: Ambry Variant Classification Scheme 2023. Collection method: clinical testing. Allele origin: germline.
Comment: The c.3048G>A variant (also known as p.K1016K), located in coding exon 23 of the CACNA1C gene, results from a G to A substitution at nucleotide position 3048. This nucleotide substitution does not change the amino acid at codon 1016. However, this change occurs in the last base pair of coding exon 23, which makes it likely to have some effect on normal mRNA splicing. This nucleotide position is highly conserved in available vertebrate species. In silico splice site analysis predicts that this alteration will not have any significant effect on splicing. Based on the available evidence, the clinical significance of this variant remains unclear.

Labcorp Genetics (formerly Invitae), Labcorp
Classification: Uncertain significance for Long QT syndrome. Last evaluated: 2022-10-24. Review status: criteria provided, single submitter. Criteria: Invitae Variant Classification Sherloc (09022015). Collection method: clinical testing. Allele origin: germline.
Comment: This sequence change affects codon 1016 of the CACNA1C mRNA. It is a 'silent' change, meaning that it does not change the encoded amino acid sequence of the CACNA1C protein. This variant also falls at the last nucleotide of exon 23, which is part of the consensus splice site for this exon. This variant is present in population databases (rs777948170, gnomAD 0.003%). In summary, the available evidence is currently insufficient to determine the role of this variant in disease. Therefore, it has been classified as a Variant of Uncertain Significance. Variants that disrupt the consensus splice site are a relatively common cause of aberrant splicing (PMID: 17576681, 9536098). Algorithms developed to predict the effect of sequence changes on RNA splicing suggest that this variant is not likely to affect RNA splicing. ClinVar contains an entry for this variant (Variation ID: 1390624). This variant has not been reported in the literature in individuals affected with CACNA1C-related conditions.

Literature cited by the submitters: PubMed 17576681 (cited by Labcorp Genetics (formerly Invitae), Labcorp); PubMed 9536098 (cited by Labcorp Genetics (formerly Invitae), Labcorp).